The following is an entry in ClinVar:

NM_001042492.3(NF1):c.655G>C (p.Ala219Pro)

Gene: NF1 (neurofibromin 1; plus strand). Cytogenetic location: 17q11.2.
Variant type: single nucleotide variant.
Coding change: c.655G>C on transcript NM_001042492.3 (MANE Select); coding-DNA position 655, G replaced by C.
Protein change: p.Ala219Pro; replaces alanine 219 with proline.
Molecular consequence: missense variant.
Genome position (GRCh38, 1-based): chr17:31,181,710, G>C. VCF-style: chr17-31181710-G-C. GRCh37 (hg19) VCF-style: chr17-29508728-G-C.
Other names: c.655G>C, p.Ala219Pro (NM_001128147.3, NM_000267.4); short protein forms A219P.
Identifiers: ClinVar variation 946783 (VCV000946783.7), dbSNP rs2066137928, ClinGen allele CA398989612.
Genomic context (GRCh38, chr17:31,181,710, plus strand): 5'-ACATTTTATTTACTGTATTACAAAAAATCACTGTAAAGACATGTGGTTCTTTATTTATAG[G>C]CATTTTGGAACTGGGTAGAAAATTATCCAGATGAATTTACAAAACTGTACCAGATCCCAC-3'
Protein context (NP_001035957.1, residues 209-229): QLAVINSLEK[Ala219Pro]FWNWVENYPD

ClinVar aggregate classification (germline): Uncertain significance. Review status: criteria provided, multiple submitters, no conflicts (2 of 4 stars). 2 submissions from 2 submitters: Uncertain significance (2). Last evaluated 2023-04-28.

Conditions:
Hereditary cancer-predisposing syndrome. Also called: Neoplastic Syndromes, Hereditary; Hereditary neoplastic syndrome; Hereditary Cancer Syndrome; Tumor predisposition. Identifiers: Orphanet 140162, MedGen C0027672, MeSH D009386, MONDO:0015356.
Cardiovascular phenotype. Identifiers: MedGen CN230736.
Neurofibromatosis, type 1 (NF1). Also called: Peripheral type neurofibromatosis; Neurofibromatosis, type I; VON RECKLINGHAUSEN DISEASE; NEUROFIBROMATOSIS, TYPE I, SOMATIC. Identifiers: Orphanet 636, MedGen C0027831, MONDO:0018975, OMIM 162200. Disease mechanism: loss of function.

Submissions (2):

Ambry Genetics
Classification: Uncertain significance for Cardiovascular phenotype; Hereditary cancer-predisposing syndrome. Last evaluated: 2023-04-28. Review status: criteria provided, single submitter. Criteria: Ambry Variant Classification Scheme 2023. Collection method: clinical testing. Allele origin: germline.
Comment: The p.A219P variant (also known as c.655G>C) is located in coding exon 7 of the NF1 gene. The alanine at codon 219 is replaced by proline, an amino acid with highly similar properties. This change occurs in the first base pair of coding exon 7. This amino acid position is conserved. In addition, this alteration is predicted to be deleterious by in silico analysis. Since supporting evidence is limited at this time, the clinical significance of this alteration remains unclear.

Labcorp Genetics (formerly Invitae), Labcorp
Classification: Uncertain significance for Neurofibromatosis, type 1. Last evaluated: 2019-04-18. Review status: criteria provided, single submitter. Criteria: Invitae Variant Classification Sherloc (09022015). Collection method: clinical testing. Allele origin: germline.
Comment: Algorithms developed to predict the effect of missense changes on protein structure and function are either unavailable or do not agree on the potential impact of this missense change (SIFT: "Deleterious"; PolyPhen-2: "Probably Damaging"; Align-GVGD: "Class C0"). This variant has not been reported in the literature in individuals with NF1-related conditions. This variant is not present in population databases (ExAC no frequency). This sequence change replaces alanine with proline at codon 219 of the NF1 protein (p.Ala219Pro). The alanine residue is highly conserved and there is a small physicochemical difference between alanine and proline. Algorithms developed to predict the effect of sequence changes on RNA splicing suggest that this variant may disrupt the consensus splice site, but this prediction has not been confirmed by published transcriptional studies. In summary, the available evidence is currently insufficient to determine the role of this variant in disease. Therefore, it has been classified as a Variant of Uncertain Significance.